The following is an entry in ClinVar:

NM_139276.3(STAT3):c.2271T>G (p.Phe757Leu)

Gene: STAT3 (signal transducer and activator of transcription 3; minus strand). Cytogenetic location: 17q21.2.
Variant type: single nucleotide variant.
Coding change: c.2271T>G on transcript NM_139276.3 (MANE Select); coding-DNA position 2271, T replaced by G.
Protein change: p.Phe757Leu; replaces phenylalanine 757 with leucine.
Molecular consequence: missense variant. On other transcripts: 3 prime UTR variant (7).
Genome position (GRCh38, 1-based): chr17:42,315,787, A>C on the plus strand (T>G on the coding strand, the complement: STAT3 is on the minus strand). VCF-style: chr17-42315787-A-C. GRCh37 (hg19) VCF-style: chr17-40467805-A-C.
Other names: c.*52T>G (NM_001369517.1, NM_001369518.1, NM_001369519.1 and 4 more transcripts); c.2187T>G, p.Phe729Leu (NM_001384984.1); c.2193T>G, p.Phe731Leu (NM_001384985.1); c.2250T>G, p.Phe750Leu (NM_001384987.1); c.2175T>G, p.Phe725Leu (NM_001384988.1); c.2172T>G, p.Phe724Leu (NM_001384989.1); c.2244T>G, p.Phe748Leu (NM_001384991.1); c.2211T>G, p.Phe737Leu (NM_001384992.1); and 3 more; short protein forms F724L, F725L, F729L, F731L, F737L, F748L, F750L, F753L.
Identifiers: ClinVar variation 1055052 (VCV001055052.9), dbSNP rs2144606546, ClinGen allele CA399579102.
Genomic context (GRCh38, chr17:42,315,787, plus strand): 5'-GCTTCCGTTCTCAGCTCCTCACATGGGGGAGGTAGCGCACTCCGAGGTCAACTCCATGTC[A>C]AAGGTGAGGGACTCTGGAGGGACAGACAGGGAAAACTAGTTCAGTTGTCCACCCTCTGCA-3'
Protein context (NP_644805.1, residues 747-767): SAGGQFESLT[Phe757Leu]DMELTSECAT

ClinVar aggregate classification (germline): Uncertain significance (1 of 4 stars; one submission).

Conditions:
STAT3 gain of function. Identifiers: MedGen C4288261.
Hyper-IgE recurrent infection syndrome 1, autosomal dominant. Also called: JOB SYNDROME; STAT3 Hyper IgE Syndrome; Job's Syndrome; Hyper-IgE recurrent infection syndrome 1; HYPER-IgE SYNDROME 1, AUTOSOMAL DOMINANT, WITH RECURRENT INFECTIONS. Identifiers: Orphanet 2314, MedGen C2936739, MONDO:0007818, OMIM 147060.

Allele frequency attached by ClinVar (database versions not stated): gnomAD exomes below 0.00001.
gnomAD v4.1: 1 of 1,614,088 alleles (0.000062%); highest among the groups gnomAD compares: Middle Eastern, 0.017%; no homozygotes.

Submission:

Labcorp Genetics (formerly Invitae), Labcorp
Classification: Uncertain significance for STAT3 gain of function; Hyper-IgE recurrent infection syndrome 1, autosomal dominant. Last evaluated: 2020-07-12. Review status: criteria provided, single submitter. Criteria: Invitae Variant Classification Sherloc (09022015). Collection method: clinical testing. Allele origin: germline.
Comment: In summary, the available evidence is currently insufficient to determine the role of this variant in disease. Therefore, it has been classified as a Variant of Uncertain Significance. Algorithms developed to predict the effect of missense changes on protein structure and function (SIFT, PolyPhen-2, Align-GVGD) all suggest that this variant is likely to be tolerated, but these predictions have not been confirmed by published functional studies and their clinical significance is uncertain. This variant has not been reported in the literature in individuals with STAT3-related conditions. This variant is not present in population databases (ExAC no frequency). This sequence change replaces phenylalanine with leucine at codon 757 of the STAT3 protein (p.Phe757Leu). The phenylalanine residue is moderately conserved and there is a small physicochemical difference between phenylalanine and leucine.